The following is an entry in ClinVar:

NM_152564.5(VPS13B):c.8361+12C>T

Gene: VPS13B (vacuolar protein sorting 13 homolog B; plus strand). Cytogenetic location: 8q22.2.
Variant type: single nucleotide variant.
Coding change: c.8361+12C>T on transcript NM_152564.5 (MANE Select); 12 bases into the intron after coding-DNA position 8361, C replaced by T.
Molecular consequence: intron variant.
Genome position (GRCh38, 1-based): chr8:99,817,815, C>T. VCF-style: chr8-99817815-C-T. GRCh37 (hg19) VCF-style: chr8-100830043-C-T.
Other names: c.8436+12C>T (NM_017890.5); c.8361+12C>T (NM_152564.4).
Identifiers: ClinVar variation 361076 (VCV000361076.16), dbSNP rs886062546, ClinGen allele CA10628528.

ClinVar aggregate classification (germline): Conflicting classifications of pathogenicity. Review status: criteria provided, conflicting classifications (1 of 4 stars). 4 submissions from 4 submitters: Uncertain significance (1); Likely benign (1). 2 of the submissions do not count toward it. Last evaluated 2024-10-25.

Conditions:
VPS13B-related disorder. Also called: VPS13B-related condition.
Cohen syndrome (COH1). Also called: PEPPER SYNDROME; Cutis verticis gyrata, retinitis pigmentosa, and sensorineural deafness. Identifiers: Orphanet 193, MedGen C0265223, MONDO:0008999, OMIM 216550.

Allele frequency attached by ClinVar (database versions not stated): gnomAD 0.00001; gnomAD exomes 0.00001; TOPMed 0.00002.
gnomAD v4.1: 17 of 1,613,838 alleles (0.0011%); highest among the groups gnomAD compares: African/African-American, 0.0053%; no homozygotes.

Submissions (4):

Labcorp Genetics (formerly Invitae), Labcorp
Classification: Likely benign for Cohen syndrome. Last evaluated: 2024-10-25. Review status: criteria provided, single submitter. Criteria: Invitae Variant Classification Sherloc (09022015). Collection method: clinical testing. Allele origin: germline.

Illumina Laboratory Services, Illumina
Classification: Uncertain significance for Cohen syndrome. Last evaluated: 2018-01-13. Review status: criteria provided, single submitter. Criteria: ICSL Variant Classification Criteria 13 December 2019. Collection method: clinical testing. Allele origin: germline.

PreventionGenetics, part of Exact Sciences
Classification: Likely benign for VPS13B-related condition. Last evaluated: 2023-05-18. Review status: no assertion criteria provided. Collection method: clinical testing. Allele origin: germline. Not counted in ClinVar's aggregate classification.
Comment: This variant is classified as likely benign based on ACMG/AMP sequence variant interpretation guidelines (Richards et al. 2015 PMID: 25741868, with internal and published modifications).

Counsyl
Classification: Likely benign for Cohen syndrome. Last evaluated: 2017-10-07. Review status: no assertion criteria provided. Collection method: clinical testing. Allele origin: unknown. Not counted in ClinVar's aggregate classification.